The following is an entry in ClinVar:

ClinVar aggregate classification (germline): Uncertain significance (1 of 4 stars; one submission).

gnomAD v4.1: 288 of 1,613,628 alleles (0.018%); highest among the groups gnomAD compares: Non-Finnish European, 0.023%; no homozygotes.

Submission:

Mayo Clinic Laboratories, Mayo Clinic
Classification: Uncertain significance. Last evaluated: 2025-04-22. Review status: criteria provided, single submitter. Criteria: ACMG Guidelines, 2015. Collection method: clinical testing. Allele origin: germline. Observed: 1 variant allele.
Comment: PP3_moderate, PM2_supporting

NM_001355436.2(SPTB):c.3127T>C (p.Trp1043Arg)

Gene: SPTB (spectrin beta, erythrocytic; minus strand). Cytogenetic location: 14q23.3.
Variant type: single nucleotide variant.
Coding change: c.3127T>C on transcript NM_001355436.2 (MANE Select); coding-DNA position 3127, T replaced by C.
Protein change: p.Trp1043Arg; replaces tryptophan 1043 with arginine.
Molecular consequence: missense variant.
Genome position (GRCh38, 1-based): chr14:64,786,838, A>G on the plus strand (T>C on the coding strand, the complement: SPTB is on the minus strand). VCF-style: chr14-64786838-A-G. GRCh37 (hg19) VCF-style: chr14-65253556-A-G.
Other names: p.Trp1043Arg; c.3127T>C, p.Trp1043Arg (NM_001024858.4, NM_001355437.2); short protein forms W1043R.
Identifiers: ClinVar variation 4541853 (VCV004541853.1).